The following is an entry in ClinVar:

NM_172364.5(CACNA2D4):c.1033G>A (p.Gly345Arg)

Gene: CACNA2D4 (calcium voltage-gated channel auxiliary subunit alpha2delta 4; minus strand). Cytogenetic location: 12p13.33.
Variant type: single nucleotide variant.
Coding change: c.1033G>A on transcript NM_172364.5 (MANE Select); coding-DNA position 1033, G replaced by A.
Protein change: p.Gly345Arg; replaces glycine 345 with arginine.
Molecular consequence: missense variant.
Genome position (GRCh38, 1-based): chr12:1,886,000, C>T on the plus strand (G>A on the coding strand, the complement: CACNA2D4 is on the minus strand). VCF-style: chr12-1886000-C-T. GRCh37 (hg19) VCF-style: chr12-1995166-C-T.
Other names: short protein forms G345R.
Identifiers: ClinVar variation 1433167 (VCV001433167.6), dbSNP rs2154449811, ClinGen allele CA383360059.

ClinVar aggregate classification (germline): Uncertain significance (1 of 4 stars; one submission).

Submission:

Labcorp Genetics (formerly Invitae), Labcorp
Classification: Uncertain significance. Last evaluated: 2022-10-17. Review status: criteria provided, single submitter. Criteria: Invitae Variant Classification Sherloc (09022015). Collection method: clinical testing. Allele origin: germline.
Comment: In summary, the available evidence is currently insufficient to determine the role of this variant in disease. Therefore, it has been classified as a Variant of Uncertain Significance. Algorithms developed to predict the effect of sequence changes on RNA splicing suggest that this variant may disrupt the consensus splice site. Algorithms developed to predict the effect of missense changes on protein structure and function (SIFT, PolyPhen-2, Align-GVGD) all suggest that this variant is likely to be disruptive. ClinVar contains an entry for this variant (Variation ID: 1433167). This variant has not been reported in the literature in individuals affected with CACNA2D4-related conditions. This variant is not present in population databases (gnomAD no frequency). This sequence change replaces glycine, which is neutral and non-polar, with arginine, which is basic and polar, at codon 345 of the CACNA2D4 protein (p.Gly345Arg).